The following is an entry in ClinVar:

NM_000059.4:c.156_157insAlu

Gene: BRCA2 (BRCA2 DNA repair associated; plus strand).
Variant type: Insertion.
Other names: c.156_157insAlu (NM_000059.4).
Identifiers: ClinVar variation 4849830 (VCV004849830.3).

ClinVar aggregate classification (germline): Pathogenic. Review status: criteria provided, multiple submitters, no conflicts (2 of 4 stars). 2 submissions from 2 submitters: Pathogenic (2). Last evaluated 2026-04-13.

Conditions:
Breast-ovarian cancer, familial, susceptibility to, 2 (BROVCA2). Also called: BRCA2 Hereditary Breast and Ovarian Cancer. Identifiers: Orphanet 145, MedGen C2675520, MONDO:0012933, OMIM 612555. Disease mechanism: loss of function.

Submissions (2):

Dasa
Classification: Pathogenic for Breast-ovarian cancer, familial, susceptibility to, 2. Last evaluated: 2026-04-13. Review status: criteria provided, single submitter. Criteria: DASA Assertion Criteria. Collection method: clinical testing. Allele origin: germline.
Comment: NM_000059.4(BRCA2):c.156_157insAlu (p.Lys53Alafs*9) is a frameshift variant in BRCA2 predicted to alter the reading frame and introduce a premature termination codon and is predicted to result in an absent or altered protein product. Loss of function is an established disease mechanism for BRCA2 (PMID: 16199546; PMID: 17063271; PMID: 25632310). This variant has been reported in individuals with Breast-ovarian cancer, familial, susceptibility to, 2 (PMID: 29707112). Segregation data support an association with disease in the reported family/families (PMID: 29707112). Also, this variant is rare in population databases. Based on the currently available evidence, this variant is classified as pathogenic.

Genesis Genomics
Classification: Pathogenic for Breast-ovarian cancer, familial, susceptibility to, 2. Review status: criteria provided, single submitter. Criteria: ACMG Guidelines, 2015. Collection method: clinical testing. Allele origin: germline. Affected: yes and no. Observed: 20 variant alleles. Clinical features observed: Breast cancer.

Literature cited by the submitters: PubMed 20652400 (cited by Dasa); PubMed 29707112 (cited by Dasa); PubMed 16088935 (cited by Dasa); PubMed 17513806 (cited by Dasa); PubMed 18363094 (cited by Dasa); PubMed 27303907 (cited by Dasa); PubMed 29446198 (cited by Dasa); PubMed 16199546 (cited by Dasa); PubMed 17063271 (cited by Dasa); PubMed 25632310 (cited by Dasa).